The following is an entry in ClinVar:

ClinVar aggregate classification (germline): Uncertain significance (1 of 4 stars; one submission).

Conditions:
Joubert syndrome. Also called: CEREBELLOPARENCHYMAL DISORDER IV; JOUBERT-BOLTSHAUSER SYNDROME; Familial aplasia of the vermis. Identifiers: Orphanet 475, MedGen C5979921, MONDO:0018772.

Allele frequency attached by ClinVar (database versions not stated): gnomAD exomes below 0.00001; gnomAD 0.00001; TOPMed 0.00001.
gnomAD v4.1: 2 of 1,556,138 alleles (0.00013%); highest among the groups gnomAD compares: Non-Finnish European, 0.00017%; no homozygotes.

Submission:

Labcorp Genetics (formerly Invitae), Labcorp
Classification: Uncertain significance for Joubert syndrome. Last evaluated: 2022-06-10. Review status: criteria provided, single submitter. Criteria: Invitae Variant Classification Sherloc (09022015). Collection method: clinical testing. Allele origin: germline.
Comment: This sequence change replaces lysine, which is basic and polar, with arginine, which is basic and polar, at codon 565 of the INPP5E protein (p.Lys565Arg). This variant is not present in population databases (gnomAD no frequency). This variant has not been reported in the literature in individuals affected with INPP5E-related conditions. Advanced modeling of protein sequence and biophysical properties (such as structural, functional, and spatial information, amino acid conservation, physicochemical variation, residue mobility, and thermodynamic stability) performed at Invitae indicates that this missense variant is not expected to disrupt INPP5E protein function. In summary, the available evidence is currently insufficient to determine the role of this variant in disease. Therefore, it has been classified as a Variant of Uncertain Significance.

NM_019892.6(INPP5E):c.1694A>G (p.Lys565Arg)

Gene: INPP5E (inositol polyphosphate-5-phosphatase E; minus strand). Cytogenetic location: 9q34.3.
Variant type: single nucleotide variant.
Coding change: c.1694A>G on transcript NM_019892.6 (MANE Select); coding-DNA position 1694, A replaced by G.
Protein change: p.Lys565Arg; replaces lysine 565 with arginine.
Molecular consequence: missense variant.
Genome position (GRCh38, 1-based): chr9:136,430,385, T>C on the plus strand (A>G on the coding strand, the complement: INPP5E is on the minus strand). VCF-style: chr9-136430385-T-C. GRCh37 (hg19) VCF-style: chr9-139324837-T-C.
Other names: c.1691A>G, p.Lys564Arg (NM_001318502.2); short protein forms K564R, K565R.
Identifiers: ClinVar variation 1958422 (VCV001958422.2), dbSNP rs1212544429, ClinGen allele CA375561387.